The following is an entry in ClinVar:

NM_001377.3(DYNC2H1):c.4072C>T (p.Arg1358Cys)

Gene: DYNC2H1 (dynein cytoplasmic 2 heavy chain 1; plus strand). Cytogenetic location: 11q22.3.
Variant type: single nucleotide variant.
Coding change: c.4072C>T on transcript NM_001377.3 (MANE Select); coding-DNA position 4072, C replaced by T.
Protein change: p.Arg1358Cys; replaces arginine 1358 with cysteine.
Molecular consequence: missense variant.
Genome position (GRCh38, 1-based): chr11:103,156,715, C>T. VCF-style: chr11-103156715-C-T. GRCh37 (hg19) VCF-style: chr11-103027444-C-T.
Other names: c.4072C>T, p.Arg1358Cys (NM_001080463.2); short protein forms R1358C.
Identifiers: ClinVar variation 4913716 (VCV004913716.2).

ClinVar aggregate classification (germline): Conflicting classifications of pathogenicity. Review status: criteria provided, conflicting classifications (1 of 4 stars). 2 submissions from 2 submitters: Likely pathogenic (1); Uncertain significance (1). Last evaluated 2026-05-06.

Conditions:
DYNC2H1-related disorder. Also called: DYNC2H1-related disorders; DYNC2H1-related condition. Identifiers: MedGen CN378770.
Asphyxiating thoracic dystrophy 3. Also called: POLYDACTYLY WITH NEONATAL CHONDRODYSTROPHY, TYPE I; SHORT-RIB THORACIC DYSPLASIA 3/6 WITH POLYDACTYLY, DIGENIC; Short rib polydactyly syndrome 2B; SHORT-RIB THORACIC DYSPLASIA 3 WITH OR WITHOUT POLYDACTYLY; Saldino-Noonan Syndrome. Identifiers: Orphanet 474, Orphanet 93269, Orphanet 93270, Orphanet 93271, MedGen C0036069, MONDO:0013127, OMIM 613091.

gnomAD v4.1: 16 of 1,613,252 alleles (0.00099%); highest among the groups gnomAD compares: Middle Eastern, 0.017%; no homozygotes.

Submissions (2):

Myriad Genetics, Inc.
Classification: Uncertain significance for Asphyxiating thoracic dystrophy 3. Last evaluated: 2026-05-06. Review status: criteria provided, single submitter. Criteria: Myriad Autosomal Dominant, Autosomal Recessive and X-Linked Classification Criteria (2023). Collection method: clinical testing. Allele origin: unknown.
Comment: NM_001377.2(DYNC2H1):c.4072C>T(R1358C) is a missense variant classified as a variant of uncertain significance in the context of DYNC2H1-related disorders. R1358C has been observed in cases with relevant disease (PMID: 29947050, 37875969). Relevant functional assessments of this variant are not available in the literature. R1358C has been observed in referenced population frequency databases. In summary, there is insufficient evidence to classify NM_001377.2(DYNC2H1):c.4072C>T(R1358C) as pathogenic or benign. Please note: this variant was assessed in the context of healthy population screening.

Blueprint Genetics
Classification: Likely pathogenic for DYNC2H1-related disorders. Last evaluated: 2024-09-18. Review status: criteria provided, single submitter. Criteria: ACMG Guidelines, 2015. Collection method: clinical testing. Allele origin: germline. Affected: yes. Observed: 3 variant alleles.

Literature cited by the submitters: PubMed 29947050 (cited by Myriad Genetics, Inc.); PubMed 37875969 (cited by Myriad Genetics, Inc.).